The following is an entry in ClinVar:

ClinVar aggregate classification (germline): Uncertain significance (1 of 4 stars; one submission).

Conditions:
Birt-Hogg-Dube syndrome. Also called: Birt Hogg Dubé syndrome. Identifiers: Orphanet 122, MedGen C0346010, MONDO:0800444.

Submission:

Labcorp Genetics (formerly Invitae), Labcorp
Classification: Uncertain significance for Birt-Hogg-Dube syndrome. Last evaluated: 2024-11-26. Review status: criteria provided, single submitter. Criteria: Invitae Variant Classification Sherloc (09022015). Collection method: clinical testing. Allele origin: germline.
Comment: This sequence change replaces valine, which is neutral and non-polar, with alanine, which is neutral and non-polar, at codon 499 of the FLCN protein (p.Val499Ala). This variant is not present in population databases (gnomAD no frequency). This variant has not been reported in the literature in individuals affected with FLCN-related conditions. Invitae Evidence Modeling of protein sequence and biophysical properties (such as structural, functional, and spatial information, amino acid conservation, physicochemical variation, residue mobility, and thermodynamic stability) indicates that this missense variant is not expected to disrupt FLCN protein function with a negative predictive value of 80%. In summary, the available evidence is currently insufficient to determine the role of this variant in disease. Therefore, it has been classified as a Variant of Uncertain Significance.

NM_144997.7(FLCN):c.1496T>C (p.Val499Ala)

Gene: FLCN (folliculin; minus strand). Cytogenetic location: 17p11.2.
Variant type: single nucleotide variant.
Coding change: c.1496T>C on transcript NM_144997.7 (MANE Select); coding-DNA position 1496, T replaced by C.
Protein change: p.Val499Ala; replaces valine 499 with alanine.
Molecular consequence: missense variant.
Genome position (GRCh38, 1-based): chr17:17,215,027, A>G on the plus strand (T>C on the coding strand, the complement: FLCN is on the minus strand). VCF-style: chr17-17215027-A-G. GRCh37 (hg19) VCF-style: chr17-17118341-A-G.
Other names: c.1550T>C, p.Val517Ala (NM_001353229.2); c.1496T>C, p.Val499Ala (NM_001353230.2, NM_001353231.2); short protein forms V517A, V499A.
Identifiers: ClinVar variation 3697897 (VCV003697897.2).